The following is an entry in ClinVar:

NM_007198.4(PLPBP):c.273G>C (p.Trp91Cys)

Gene: PLPBP (pyridoxal phosphate binding protein; plus strand). Cytogenetic location: 8p11.23.
Variant type: single nucleotide variant.
Coding change: c.273G>C on transcript NM_007198.4 (MANE Select); coding-DNA position 273, G replaced by C.
Protein change: p.Trp91Cys; replaces tryptophan 91 with cysteine.
Molecular consequence: missense variant.
Genome position (GRCh38, 1-based): chr8:37,766,309, G>C. VCF-style: chr8-37766309-G-C. GRCh37 (hg19) VCF-style: chr8-37623827-G-C.
Other names: c.273G>C, p.Trp91Cys (NM_001349346.2); c.267G>C, p.Trp89Cys (NM_001349347.2); c.117G>C, p.Trp39Cys (NM_001349348.2); c.378G>C, p.Trp126Cys (NM_001349349.1); short protein forms W91C, W39C, W126C, W89C.
Identifiers: ClinVar variation 2117172 (VCV002117172.4), dbSNP rs2487371848, ClinGen allele CA370666963.
Genomic context (GRCh38, chr8:37,766,309, plus strand): 5'-GAATTACACATGGTTACCTTTTTCCCCTCAGATTCTGTCTTTGTGTCCTGAGATCAAATG[G>C]CACTTCATTGGCCACCTACAGAAACAAAATGTCAACAAATTGATGGGTAAGATAAAATTA-3'
Protein context (NP_009129.1, residues 81-101): KILSLCPEIK[Trp91Cys]HFIGHLQKQN

ClinVar aggregate classification (germline): Uncertain significance (1 of 4 stars; one submission).

Submission:

Labcorp Genetics (formerly Invitae), Labcorp
Classification: Uncertain significance. Last evaluated: 2022-03-26. Review status: criteria provided, single submitter. Criteria: Invitae Variant Classification Sherloc (09022015). Collection method: clinical testing. Allele origin: germline.
Comment: This sequence change replaces tryptophan, which is neutral and slightly polar, with cysteine, which is neutral and slightly polar, at codon 91 of the PROSC protein (p.Trp91Cys). This variant is not present in population databases (gnomAD no frequency). This variant has not been reported in the literature in individuals affected with PROSC-related conditions. Algorithms developed to predict the effect of missense changes on protein structure and function (SIFT, PolyPhen-2, Align-GVGD) all suggest that this variant is likely to be disruptive. In summary, the available evidence is currently insufficient to determine the role of this variant in disease. Therefore, it has been classified as a Variant of Uncertain Significance.